The following is an entry in ClinVar:

ClinVar aggregate classification (germline): Pathogenic. Review status: reviewed by expert panel (3 of 4 stars). 14 submissions from 13 submitters: Pathogenic (1). 13 of the submissions do not count toward it. Last evaluated 2017-03-17.

Conditions:
CFTR-related disorder (CFTR-RD). Also called: CFTR-related condition; CFTR-related disorders. Identifiers: MedGen C5924204, MONDO:7770004.
Congenital bilateral aplasia of vas deferens from CFTR mutation (CBAVD). Identifiers: Orphanet 48, MedGen C0403814, MONDO:0010178, OMIM 277180. Disease mechanism: loss of function.
Cystic fibrosis (CF). Also called: MUCOVISCIDOSIS. Identifiers: Orphanet 586, MedGen C0010674, MONDO:0009061, OMIM 219700. Disease mechanism: loss of function.
Bronchiectasis with or without elevated sweat chloride 1 (BESC1). Also called: Cystic Fibrosis-Like Syndrome. Identifiers: Orphanet 60033, MedGen C2749757, MONDO:0008887, OMIM 211400.
Hereditary pancreatitis (PCTT). Also called: PRSS1-Related Hereditary Pancreatitis; Hereditary chronic pancreatitis. Identifiers: Orphanet 676, MedGen C0238339, MONDO:0008185, OMIM 167800.

Allele frequency attached by ClinVar (database versions not stated): gnomAD exomes below 0.00001 and 0.00001; ExAC 0.00001; TOPMed 0.00001; gnomAD 0.00002; ESP Exome Variant Server 0.00023.
gnomAD v4.1: 6 of 1,602,186 alleles (0.00037%); highest among the groups gnomAD compares: African/African-American, 0.0081%; no homozygotes.

Submissions (14):

CFTR2
Classification: Pathogenic for Cystic fibrosis. Last evaluated: 2017-03-17. Review status: reviewed by expert panel. Criteria: Sosnay PR et al. (Nat Genet 2013). Collection method: research. Allele origin: germline. Affected: yes. Study: CFTR2.

Natera, Inc.
Classification: Pathogenic for CFTR-related disorders. Last evaluated: 2025-10-01. Review status: criteria provided, single submitter. Criteria: Natera Variant Classification Schema (03/2026). Collection method: clinical testing. Allele origin: germline. Not counted in ClinVar's aggregate classification.
Comment: The c.1400T>C variant in CFTR is a missense variant predicted to cause substitution of leucine to proline at amino acid 467. This variant is rare in the general population with a frequency below the threshold expected for the associated phenotype(s). This variant has been observed in one or more individuals affected with the associated recessive disease, as either homozygous or compound heterozygous with a second variant (PMID: 20510657, 31162888, 30888834). Given the available evidence, this variant is classified as Pathogenic.

Ambry Genetics
Classification: Pathogenic for Cystic fibrosis. Last evaluated: 2025-09-22. Review status: criteria provided, single submitter. Criteria: Ambry Variant Classification Scheme 2023. Collection method: clinical testing. Allele origin: germline. Not counted in ClinVar's aggregate classification.
Comment: The p.L467P pathogenic mutation (also known as c.1400T>C), located in coding exon 11 of the CFTR gene, results from a T to C substitution at nucleotide position 1400. The leucine at codon 467 is replaced by proline, an amino acid with similar properties. This variant was identified in an individual diagnosed with cystic fibrosis with a history of failure to thrive, elevated sweat chloride levels, multiple respiratory infections, and pancreatic insufficiency; this individual was confirmed to carry p.F508del in trans (Jambhekar SK et al. J. Cyst. Fibros., 2010 Jul;9:269-71). This variant is associated with elevated sweat chloride levels and pancreatic insufficiency; in vitro functional studies suggested that this mutation resulted in deficient CFTR protein maturation and impaired chloride transport (Sosnay PR et al. Nat. Genet., 2013 Oct;45:1160-7; Van Goor F et al. J. Cyst. Fibros., 2014 Jan;13:29-36). This amino acid position is highly conserved in available vertebrate species. In addition, this alteration is predicted to be deleterious by in silico analysis. Based on the supporting evidence, this variant is interpreted as a disease-causing mutation.

PreventionGenetics, part of Exact Sciences
Classification: Pathogenic for CFTR-related condition. Last evaluated: 2025-06-11. Review status: criteria provided, single submitter. Criteria: ACMG Guidelines, 2015. Collection method: clinical testing. Allele origin: germline. Not counted in ClinVar's aggregate classification.
Comment: The CFTR c.1400T>C variant is predicted to result in the amino acid substitution p.Leu467Pro. This variant has been reported in many individuals with cystic fibrosis (Jambhekar et al. 2010. PubMed ID: 20510657; supplementary data, Sosnay et al. 2013. PubMed ID: 23974870; Schrijver et al. 2016. PubMed ID: 26708955). Functional studies indicate this variant impairs CFTR protein maturation and decreases chloride transport (Van Goor et al. 2013. PubMed ID: 23891399). This variant is reported in 0.0080% of alleles in individuals of African descent in gnomAD. This variant is interpreted as pathogenic.

Labcorp Genetics (formerly Invitae), Labcorp
Classification: Pathogenic for Cystic fibrosis. Last evaluated: 2025-02-11. Review status: criteria provided, single submitter. Criteria: Invitae Variant Classification Sherloc (09022015). Collection method: clinical testing. Allele origin: germline. Not counted in ClinVar's aggregate classification.
Comment: This sequence change replaces leucine, which is neutral and non-polar, with proline, which is neutral and non-polar, at codon 467 of the CFTR protein (p.Leu467Pro). This variant is present in population databases (rs139573311, gnomAD 0.01%). This missense change has been observed in individual(s) with cystic fibrosis (PMID: 20510657, 23974870, 26708955). In at least one individual the data is consistent with being in trans (on the opposite chromosome) from a pathogenic variant. ClinVar contains an entry for this variant (Variation ID: 35823). Invitae Evidence Modeling of protein sequence and biophysical properties (such as structural, functional, and spatial information, amino acid conservation, physicochemical variation, residue mobility, and thermodynamic stability) indicates that this missense variant is expected to disrupt CFTR protein function with a positive predictive value of 80%. Experimental studies have shown that this missense change affects CFTR function (PMID: 23891399, 23974870). For these reasons, this variant has been classified as Pathogenic.

Baylor Genetics
Classification: Pathogenic for Bronchiectasis with or without elevated sweat chloride 1. Last evaluated: 2024-03-13. Review status: criteria provided, single submitter. Criteria: ACMG Guidelines, 2015. Collection method: clinical testing. Allele origin: unknown. Not counted in ClinVar's aggregate classification.

Mayo Clinic Laboratories, Mayo Clinic
Classification: Pathogenic. Last evaluated: 2022-09-07. Review status: criteria provided, single submitter. Criteria: ACMG Guidelines, 2015. Collection method: clinical testing. Allele origin: germline. Observed: 4 variant alleles. Not counted in ClinVar's aggregate classification.
Comment: PP3, PP5, PM2, PM3, PS3

Fulgent Genetics
Classification: Pathogenic for Hereditary pancreatitis; Bronchiectasis with or without elevated sweat chloride 1; Cystic fibrosis; Congenital bilateral aplasia of vas deferens from CFTR mutation. Last evaluated: 2022-03-03. Review status: criteria provided, single submitter. Criteria: ACMG Guidelines, 2015. Collection method: clinical testing. Allele origin: unknown. Not counted in ClinVar's aggregate classification.

Quest Diagnostics Nichols Institute San Juan Capistrano
Classification: Pathogenic. Last evaluated: 2021-08-20. Review status: criteria provided, single submitter. Criteria: Quest Diagnostics criteria. Collection method: clinical testing. Allele origin: unknown. Not counted in ClinVar's aggregate classification.
Comment: The variant was found in at least one symptomatic individual. The variant occurs in multiple cases with a lone recessive pathogenic/likely pathogenic variant in the same gene, and several have a phenotype known to be consistent with disease. The variant is damaging to protein function(s) relevant to disease mechanism. The variant predicted to have a damaging effect on the protein.

Illumina Laboratory Services, Illumina
Classification: Pathogenic for CFTR-Related Disorders. Last evaluated: 2017-04-28. Review status: criteria provided, single submitter. Criteria: ICSL Variant Classification Criteria 09 May 2019. Collection method: clinical testing. Allele origin: germline. Not counted in ClinVar's aggregate classification.
Comment: The CFTR c.1400T>C (p.Leu467Pro) missense variant has been reported in at least three studies and is found in at least 16 patients with cystic fibrosis in a presumed compound heterozygous state with another pathogenic CFTR variant in a majority of the cases (Jambhekar et al. 2010; Sosnay et al. 2013; Schrijver et al. 2016). The p.Leu467Pro variant is reported at a frequency of 0.00023 in the overall population of the Exome Sequencing Project. Experimental studies in cell culture show the p.Leu467Pro variant disrupts CFTR protein maturation and chloride conduction (Van Goor et al. 2014, Sosnay et al. 2013). Based on the evidence, the p.Leu467Pro variant is classified as pathogenic for CFTR-related disorders. This variant was observed by ICSL as part of a predisposition screen in an ostensibly healthy population.

Eurofins Ntd Llc (ga)
Classification: Pathogenic. Last evaluated: 2017-04-24. Review status: criteria provided, single submitter. Criteria: EGL Classification Definitions 2015. Collection method: clinical testing. Allele origin: germline. Observed: 1 variant allele, 1 heterozygote. Not counted in ClinVar's aggregate classification.

Baylor Genetics
Classification: Pathogenic for Congenital bilateral aplasia of vas deferens from CFTR mutation; Cystic fibrosis. Review status: criteria provided, single submitter. Criteria: ACMG Guidelines, 2015. Collection method: clinical testing. Allele origin: germline. Not counted in ClinVar's aggregate classification.

Counsyl
Classification: Likely pathogenic for Cystic fibrosis. Last evaluated: 2018-03-21. Review status: no assertion criteria provided. Collection method: clinical testing. Allele origin: unknown. Not counted in ClinVar's aggregate classification.

Women's Health and Genetics/Laboratory Corporation of America, LabCorp
Classification: Pathogenic for Cystic Fibrosis. Last evaluated: 2015-04-03. Review status: no assertion criteria provided. Collection method: clinical testing. Allele origin: germline. Not counted in ClinVar's aggregate classification.

Literature cited by the submitters: PubMed 20510657 (cited by 6 submitters); PubMed 31162888 (cited by Natera, Inc.); PubMed 30888834 (cited by Natera, Inc.); PubMed 23891399 (cited by 6 submitters); PubMed 23974870 (cited by 5 submitters); PubMed 29805046 (cited by Ambry Genetics); PubMed 26708955 (cited by 3 submitters); PubMed 35816621 (cited by Mayo Clinic Laboratories, Mayo Clinic); PubMed 35934641 (cited by Mayo Clinic Laboratories, Mayo Clinic); PubMed 35997436 (cited by Mayo Clinic Laboratories, Mayo Clinic); PubMed 9788722 (cited by Quest Diagnostics Nichols Institute San Juan Capistrano and Counsyl); PubMed 25489051 (cited by Quest Diagnostics Nichols Institute San Juan Capistrano and Eurofins Ntd Llc (ga)); PubMed 31036917 (cited by Quest Diagnostics Nichols Institute San Juan Capistrano); PubMed 25087612 (cited by Quest Diagnostics Nichols Institute San Juan Capistrano); PubMed 28261631 (cited by Quest Diagnostics Nichols Institute San Juan Capistrano); PubMed 21514289 (cited by Quest Diagnostics Nichols Institute San Juan Capistrano).

NM_000492.4(CFTR):c.1400T>C (p.Leu467Pro)

Genes: CFTR (CF transmembrane conductance regulator; plus strand), CFTR-AS1 (CFTR antisense RNA 1; minus strand). Cytogenetic location: 7q31.2.
Variant type: single nucleotide variant.
Coding change: c.1400T>C on transcript NM_000492.4 (MANE Select); coding-DNA position 1400, T replaced by C.
Protein change: p.Leu467Pro; replaces leucine 467 with proline.
Molecular consequence: missense variant.
Genome position (GRCh38, 1-based): chr7:117,559,471, T>C. VCF-style: chr7-117559471-T-C. GRCh37 (hg19) VCF-style: chr7-117199525-T-C.
Other names: short protein forms L467P.
Identifiers: ClinVar variation 35823 (VCV000035823.34), dbSNP rs139573311, ClinGen allele CA342834.